The following is an entry in ClinVar:

ClinVar aggregate classification (germline): Uncertain significance (1 of 4 stars; one submission).

Conditions:
NR0B2-related disorder. Also called: NR0B2-related condition.

gnomAD v4.1: 1 of 1,614,250 alleles (0.000062%); highest among the groups gnomAD compares: Admixed American, 0.0017%; no homozygotes.

Submission:

PreventionGenetics, part of Exact Sciences
Classification: Uncertain significance for NR0B2-related condition. Last evaluated: 2025-09-11. Review status: criteria provided, single submitter. Criteria: ACMG Guidelines, 2015. Collection method: clinical testing. Allele origin: germline.
Comment: The NR0B2 c.626C>T variant is predicted to result in the amino acid substitution p.Ala209Val. To our knowledge, this variant has not been reported in the literature. This variant is reported in 0.0029% of alleles in individuals of Latino descent in gnomAD. At this time, the clinical significance of this variant is uncertain due to the absence of conclusive functional and genetic evidence.

NM_021969.3(NR0B2):c.626C>T (p.Ala209Val)

Genes: NR0B2 (nuclear receptor subfamily 0 group B member 2; minus strand), NUDC (nuclear distribution C, dynein complex regulator; plus strand). Cytogenetic location: 1p36.11.
Variant type: single nucleotide variant.
Coding change: c.626C>T on transcript NM_021969.3 (MANE Select); coding-DNA position 626, C replaced by T.
Protein change: p.Ala209Val; replaces alanine 209 with valine.
Molecular consequence: missense variant.
Genome position (GRCh38, 1-based): chr1:26,911,993, G>A on the plus strand (C>T on the coding strand, the complement: NR0B2 is on the minus strand). VCF-style: chr1-26911993-G-A. GRCh37 (hg19) VCF-style: chr1-27238484-G-A.
Other names: short protein forms A209V.
Identifiers: ClinVar variation 4978906 (VCV004978906.1).